The following is an entry in ClinVar:

NM_001379180.1(ESRRB):c.343A>C (p.Met115Leu)

Gene: ESRRB (estrogen related receptor beta; plus strand). Cytogenetic location: 14q24.3.
Variant type: single nucleotide variant.
Coding change: c.343A>C on transcript NM_001379180.1 (MANE Select); coding-DNA position 343, A replaced by C.
Protein change: p.Met115Leu; replaces methionine 115 with leucine.
Molecular consequence: missense variant.
Genome position (GRCh38, 1-based): chr14:76,439,633, A>C. VCF-style: chr14-76439633-A-C. GRCh37 (hg19) VCF-style: chr14-76905976-A-C.
Other names: c.295A>C, p.Met99Leu (NM_001411038.1); c.280A>C, p.Met94Leu (NM_004452.4); short protein forms M115L, M99L, M94L.
Identifiers: ClinVar variation 4665429 (VCV004665429.2).

ClinVar aggregate classification (germline): Uncertain significance. Review status: criteria provided, multiple submitters, no conflicts (2 of 4 stars). 2 submissions from 2 submitters: Uncertain significance (2). Last evaluated 2026-04-03.

Submissions (2):

GeneDx
Classification: Uncertain significance. Last evaluated: 2026-04-03. Review status: criteria provided, single submitter. Criteria: GeneDx Variant Classification Process June 2021. Collection method: clinical testing. Allele origin: germline.
Comment: In silico analysis suggests that this missense variant does not alter protein structure/function; Has not been previously published as pathogenic or benign to our knowledge

Ambry Genetics
Classification: Uncertain significance. Last evaluated: 2025-10-22. Review status: criteria provided, single submitter. Criteria: Ambry Variant Classification Scheme 2023. Collection method: clinical testing. Allele origin: germline.